The following is an entry in ClinVar:

NM_001384140.1(PCDH15):c.3029A>G (p.Asp1010Gly)

Gene: PCDH15 (protocadherin related 15; minus strand). Cytogenetic location: 10q21.1.
Variant type: single nucleotide variant.
Coding change: c.3029A>G on transcript NM_001384140.1 (MANE Select); coding-DNA position 3029, A replaced by G.
Protein change: p.Asp1010Gly; replaces aspartic acid 1010 with glycine.
Molecular consequence: missense variant.
Genome position (GRCh38, 1-based): chr10:53,959,825, T>C on the plus strand (A>G on the coding strand, the complement: PCDH15 is on the minus strand). VCF-style: chr10-53959825-T-C. GRCh37 (hg19) VCF-style: chr10-55719585-T-C.
Other names: NM_001384140.1(PCDH15):c.3029A>G; p.Asp1010Gly; c.3044A>G, p.Asp1015Gly (NM_001142763.2, NM_001142771.2); c.3029A>G, p.Asp1010Gly (NM_001142764.2, NM_001142766.2, NM_001142770.3 and 4 more transcripts); c.2816A>G, p.Asp939Gly (NM_001142765.2); c.2918A>G, p.Asp973Gly (NM_001142767.2); c.2963A>G, p.Asp988Gly (NM_001142768.2, NM_001142773.2, NM_001354404.2); c.3065A>G, p.Asp1022Gly (NM_001142769.4); and 1 more; short protein forms D988G, D1010G, D1015G, D1017G, D1022G, D939G, D973G.
Identifiers: ClinVar variation 972291 (VCV000972291.3), dbSNP rs776416750, ClinGen allele CA5505822.

ClinVar aggregate classification (germline): Conflicting classifications of pathogenicity. Review status: criteria provided, conflicting classifications (1 of 4 stars). 2 submissions from 2 submitters: Likely pathogenic (1); Uncertain significance (1). Last evaluated 2023-01-24.

Conditions:
Usher syndrome type 1F (USH1F). Also called: USHER SYNDROME, TYPE IF. Identifiers: Orphanet 231169, Orphanet 886, MedGen C1865885, MONDO:0011186, OMIM 602083.

gnomAD v4.1: 1 of 1,613,908 alleles (0.000062%); highest among the groups gnomAD compares: East Asian, 0.0022%; no homozygotes.

Submissions (2):

Broad Center for Mendelian Genomics, Broad Institute of MIT and Harvard
Classification: Likely pathogenic for Usher syndrome type 1F. Last evaluated: 2023-01-24. Review status: criteria provided, single submitter. Criteria: ACMG Guidelines, 2015. Collection method: curation. Allele origin: germline. Inheritance: Autosomal recessive inheritance.

Labcorp Genetics (formerly Invitae), Labcorp
Classification: Uncertain significance. Last evaluated: 2022-01-06. Review status: criteria provided, single submitter. Criteria: Invitae Variant Classification Sherloc (09022015). Collection method: clinical testing. Allele origin: germline.
Comment: This sequence change replaces aspartic acid, which is acidic and polar, with glycine, which is neutral and non-polar, at codon 1010 of the PCDH15 protein (p.Asp1010Gly). This variant is present in population databases (rs776416750, gnomAD 0.006%). This missense change has been observed in individual(s) with non-syndromic hearing loss. However, in that individual a second variant was not identified (PMID: 26279247). ClinVar contains an entry for this variant (Variation ID: 972291). Algorithms developed to predict the effect of missense changes on protein structure and function are either unavailable or do not agree on the potential impact of this missense change (SIFT: "Tolerated"; PolyPhen-2: "Probably Damaging"; Align-GVGD: "Class C0"). Algorithms developed to predict the effect of sequence changes on RNA splicing suggest that this variant may create or strengthen a splice site. In summary, the available evidence is currently insufficient to determine the role of this variant in disease. Therefore, it has been classified as a Variant of Uncertain Significance.

Literature cited by the submitters: PubMed 26279247 (cited by Labcorp Genetics (formerly Invitae), Labcorp).